The following is an entry in ClinVar:

ClinVar aggregate classification (germline): Uncertain significance. Review status: criteria provided, multiple submitters, no conflicts (2 of 4 stars). 2 submissions from 2 submitters: Uncertain significance (2). Last evaluated 2025-10-21.

Conditions:
Legius syndrome. Identifiers: Orphanet 137605, MedGen C1969623, MONDO:0012669, OMIM 611431. Disease mechanism: loss of function.
Cardiovascular phenotype. Identifiers: MedGen CN230736.

gnomAD v4.1: 1 of 1,613,820 alleles (0.000062%); highest among the groups gnomAD compares: Non-Finnish European, 0.000085%; no homozygotes.

Submissions (2):

Ambry Genetics
Classification: Uncertain significance for Cardiovascular phenotype. Last evaluated: 2025-10-21. Review status: criteria provided, single submitter. Criteria: Ambry Variant Classification Scheme 2023. Collection method: clinical testing. Allele origin: germline.
Comment: The p.A183D variant (also known as c.548C>A), located in coding exon 5 of the SPRED1 gene, results from a C to A substitution at nucleotide position 548. The alanine at codon 183 is replaced by aspartic acid, an amino acid with dissimilar properties. This amino acid position is conserved. In addition, this alteration is predicted to be tolerated by in silico analysis. Based on the available evidence, the clinical significance of this variant remains unclear.

Labcorp Genetics (formerly Invitae), Labcorp
Classification: Uncertain significance for Legius syndrome. Last evaluated: 2024-05-09. Review status: criteria provided, single submitter. Criteria: Invitae Variant Classification Sherloc (09022015). Collection method: clinical testing. Allele origin: germline.
Comment: This sequence change replaces alanine, which is neutral and non-polar, with aspartic acid, which is acidic and polar, at codon 183 of the SPRED1 protein (p.Ala183Asp). This variant is present in population databases (no rsID available, gnomAD 0.0009%). This variant has not been reported in the literature in individuals affected with SPRED1-related conditions. Advanced modeling of protein sequence and biophysical properties (such as structural, functional, and spatial information, amino acid conservation, physicochemical variation, residue mobility, and thermodynamic stability) performed at Invitae indicates that this missense variant is not expected to disrupt SPRED1 protein function with a negative predictive value of 80%. In summary, the available evidence is currently insufficient to determine the role of this variant in disease. Therefore, it has been classified as a Variant of Uncertain Significance.

NM_152594.3(SPRED1):c.548C>A (p.Ala183Asp)

Gene: SPRED1 (sprouty related EVH1 domain containing 1; plus strand). Cytogenetic location: 15q14.
Variant type: single nucleotide variant.
Coding change: c.548C>A on transcript NM_152594.3 (MANE Select); coding-DNA position 548, C replaced by A.
Protein change: p.Ala183Asp; replaces alanine 183 with aspartic acid.
Molecular consequence: missense variant.
Genome position (GRCh38, 1-based): chr15:38,339,861, C>A. VCF-style: chr15-38339861-C-A. GRCh37 (hg19) VCF-style: chr15-38632062-C-A.
Other names: c.548C>A (NM_152594.2); short protein forms A183D.
Identifiers: ClinVar variation 2915605 (VCV002915605.4), dbSNP rs1345908231, ClinGen allele CA391932674.
Genomic context (GRCh38, chr15:38,339,861, plus strand): 5'-TTACCAGTGAGCCTTATAGAAGCTCAAATATAAGACCTTCTCCCTTTGAAGATCTGAATG[C>A]CAGAAGAGTCTACATGCAAAGCCAAGCCAATCAGGTAAGAAGATAAAATATTTTTTCGGC-3'
Protein context (NP_689807.1, residues 173-193): IRPSPFEDLN[Ala183Asp]RRVYMQSQAN